The following is an entry in ClinVar:

ClinVar aggregate classification (germline): Uncertain significance. Review status: criteria provided, multiple submitters, no conflicts (2 of 4 stars). 2 submissions from 2 submitters: Uncertain significance (2). Last evaluated 2024-03-14.

Conditions:
Cardiovascular phenotype. Identifiers: MedGen CN230736.

Allele frequency attached by ClinVar (database versions not stated): ExAC 0.00001.
gnomAD v4.1: 3 of 1,613,872 alleles (0.00019%); highest among the groups gnomAD compares: African/African-American, 0.004%; no homozygotes.

Submissions (2):

GeneDx
Classification: Uncertain significance. Last evaluated: 2024-03-14. Review status: criteria provided, single submitter. Criteria: GeneDx Variant Classification Process June 2021. Collection method: clinical testing. Allele origin: germline. Affected: yes.
Comment: Has not been previously published as pathogenic or benign to our knowledge; Not observed at significant frequency in large population cohorts (gnomAD); In silico analysis supports that this missense variant does not alter protein structure/function

Ambry Genetics
Classification: Uncertain significance for Cardiovascular phenotype. Last evaluated: 2023-12-07. Review status: criteria provided, single submitter. Criteria: Ambry Variant Classification Scheme 2023. Collection method: clinical testing. Allele origin: germline.
Comment: The p.R395P variant (also known as c.1184G>C), located in coding exon 5 of the PKP2 gene, results from a G to C substitution at nucleotide position 1184. The arginine at codon 395 is replaced by proline, an amino acid with dissimilar properties. This amino acid position is conserved. In addition, this alteration is predicted to be tolerated by in silico analysis. Since supporting evidence is limited at this time, the clinical significance of this alteration remains unclear.

NM_001005242.3(PKP2):c.1184G>C (p.Arg395Pro)

Gene: PKP2 (plakophilin 2; minus strand). Cytogenetic location: 12p11.21.
Variant type: single nucleotide variant.
Coding change: c.1184G>C on transcript NM_001005242.3 (MANE Select); coding-DNA position 1184, G replaced by C.
Protein change: p.Arg395Pro; replaces arginine 395 with proline.
Molecular consequence: missense variant.
Genome position (GRCh38, 1-based): chr12:32,850,960, C>G on the plus strand (G>C on the coding strand, the complement: PKP2 is on the minus strand). VCF-style: chr12-32850960-C-G. GRCh37 (hg19) VCF-style: chr12-33003894-C-G.
Other names: c.1184G>C, p.Arg395Pro (NM_001407155.1, NM_001407156.1, NM_001407157.1 and 2 more transcripts); c.857G>C, p.Arg286Pro (NM_001407158.1, NM_001407159.1, NM_001407160.1 and 1 more transcripts); short protein forms R395P, R286P.
Identifiers: ClinVar variation 1743037 (VCV001743037.3), dbSNP rs773611613, ClinGen allele CA027378.